The following is an entry in ClinVar:

ClinVar aggregate classification (germline): Pathogenic (1 of 4 stars; one submission).

Submission:

GeneDx
Classification: Pathogenic. Last evaluated: 2022-08-10. Review status: criteria provided, single submitter. Criteria: GeneDx Variant Classification Process June 2021. Collection method: clinical testing. Allele origin: germline. Affected: yes.
Comment: Frameshift variant predicted to result in protein truncation or nonsense mediated decay in a gene for which loss of function is a known mechanism of disease; Not observed at significant frequency in large population cohorts (gnomAD); This variant is associated with the following publications: (PMID: 34490615)

NM_001282531.3(ADNP):c.14del (p.Pro5fs)

Gene: ADNP (activity dependent neuroprotector homeobox; minus strand). Cytogenetic location: 20q13.13.
Variant type: Deletion.
Coding change: c.14del on transcript NM_001282531.3 (MANE Select); coding-DNA position 14, one base deleted (C; older notation c.14delC).
Protein change: p.Pro5fs; shifts the reading frame from proline 5.
Molecular consequence: frameshift variant.
Genome position (GRCh38, 1-based): chr20:50,903,983, G deleted on the plus strand (C on the coding strand, the reverse complement: ADNP is on the minus strand); the first of 2 consecutive G bases (chr20:50,903,983-50,903,984); deleting either gives the same sequence. VCF-style (leftmost placement, unchanged base first): chr20-50903982-AG-A. GRCh37 (hg19) VCF-style: chr20-49520519-AG-A.
Other names: c.14del, p.Pro5fs (NM_001282532.2, NM_001347511.2, NM_015339.5 and 1 more transcripts); short protein forms P5fs.
Identifiers: ClinVar variation 2429490 (VCV002429490.1), dbSNP rs2515621708, ClinGen allele CA2577426955.